The following is an entry in ClinVar:

ClinVar aggregate classification (germline): Likely benign (1 of 4 stars; one submission).

Submission:

CeGaT Center for Human Genetics Tuebingen
Classification: Likely benign. Last evaluated: 2024-09-01. Review status: criteria provided, single submitter. Criteria: CeGaT Center For Human Genetics Tuebingen Variant Classification Criteria Version 2. Collection method: clinical testing. Allele origin: germline. Affected: yes. Observed: 1 variant allele.
Comment: COL12A1: PM2:Supporting, BP4, BP7

NM_004370.6(COL12A1):c.6267T>C (p.Thr2089=)

Gene: COL12A1 (collagen type XII alpha 1 chain; minus strand). Cytogenetic location: 6q13.
Variant type: single nucleotide variant.
Coding change: c.6267T>C on transcript NM_004370.6 (MANE Select); coding-DNA position 6267, T replaced by C.
Protein change: p.Thr2089=; no amino-acid change (threonine 2089 retained).
Molecular consequence: synonymous variant.
Genome position (GRCh38, 1-based): chr6:75,128,369, A>G on the plus strand (T>C on the coding strand, the complement: COL12A1 is on the minus strand). VCF-style: chr6-75128369-A-G. GRCh37 (hg19) VCF-style: chr6-75838085-A-G.
Other names: c.5994T>C, p.Thr1998= (NM_001424115.1); c.2775T>C, p.Thr925= (NM_001424116.1, NM_080645.3); c.6267T>C, p.Thr2089= (NM_001424113.1); c.6246T>C, p.Thr2082= (NM_001424114.1).
Identifiers: ClinVar variation 3389570 (VCV003389570.14).
Genomic context (GRCh38, chr6:75,128,369, plus strand): 5'-TCCTGTTAGATGGCCACCATCTCCATCTTCATAAACAGCAATAACAGTAATTTTATATGG[A>G]GTGTCAGGTTGCAGGGGCTGCAGTATTACATTGTTTCTTCTGCCTGGGACTGTGGTCTAT-3'
Protein context (NP_004361.3, residues 2079-2099): NVILQPLQPD[Thr2089=]PYKITVIAVY